The following is an entry in ClinVar:

NM_000059.4(BRCA2):c.619A>T (p.Thr207Ser)

Gene: BRCA2 (BRCA2 DNA repair associated; plus strand). Cytogenetic location: 13q13.1.
Variant type: single nucleotide variant.
Coding change: c.619A>T on transcript NM_000059.4 (MANE Select); coding-DNA position 619, A replaced by T.
Protein change: p.Thr207Ser; replaces threonine 207 with serine.
Molecular consequence: missense variant. On other transcripts: non-coding transcript variant (1).
Genome position (GRCh38, 1-based): chr13:32,326,601, A>T. VCF-style: chr13-32326601-A-T. GRCh37 (hg19) VCF-style: chr13-32900738-A-T.
Other names: c.619A>T, p.Thr207Ser (NM_001406719.1, NM_001406720.1, NM_001406721.1 and 1 more transcripts); c.250A>T, p.Thr84Ser (NM_001406722.1); short protein forms T207S, T84S.
Identifiers: ClinVar variation 4842980 (VCV004842980.1).
Genomic context (GRCh38, chr13:32,326,601, plus strand): 5'-GAGGTGGATCCTGATATGTCTTGGTCAAGTTCTTTAGCTACACCACCCACCCTTAGTTCT[A>T]CTGTGCTCATAGGTAATAATAGCAAATGTGTATTTACAAGAAAGAGCAGATGAGGTTGAT-3'
Protein context (NP_000050.3, residues 197-217): SLATPPTLSS[Thr207Ser]VLIVRNEEAS

ClinVar aggregate classification (germline): Uncertain significance (1 of 4 stars; one submission).

Conditions:
Hereditary cancer-predisposing syndrome. Also called: Neoplastic Syndromes, Hereditary; Tumor predisposition; Hereditary Cancer Syndrome; Hereditary neoplastic syndrome. Identifiers: Orphanet 140162, MedGen C0027672, MeSH D009386, MONDO:0015356.

Submission:

Ambry Genetics
Classification: Uncertain significance for Hereditary cancer-predisposing syndrome. Last evaluated: 2026-01-07. Review status: criteria provided, single submitter. Criteria: Ambry Variant Classification Scheme 2023. Collection method: clinical testing. Allele origin: germline.
Comment: The p.T207S variant (also known as c.619A>T), located in coding exon 6 of the BRCA2 gene, results from an A to T substitution at nucleotide position 619. The threonine at codon 207 is replaced by serine, an amino acid with similar properties. This amino acid position is highly conserved in available vertebrate species. In addition, this alteration is predicted to be tolerated by in silico analysis. Based on the available evidence, the clinical significance of this variant remains unclear.